The following is an entry in ClinVar:

NM_015164.4(PLEKHM2):c.554C>T (p.Ser185Leu)

Gene: PLEKHM2 (pleckstrin homology and RUN domain containing M2; plus strand). Cytogenetic location: 1p36.21.
Variant type: single nucleotide variant.
Coding change: c.554C>T on transcript NM_015164.4 (MANE Select); coding-DNA position 554, C replaced by T.
Protein change: p.Ser185Leu; replaces serine 185 with leucine.
Molecular consequence: missense variant.
Genome position (GRCh38, 1-based): chr1:15,719,822, C>T. VCF-style: chr1-15719822-C-T. GRCh37 (hg19) VCF-style: chr1-16046317-C-T.
Other names: c.554C>T (NM_015164.3, NM_015164.2); short protein forms S185L.
Identifiers: ClinVar variation 1022951 (VCV001022951.10), dbSNP rs748388504, ClinGen allele CA616718.
Genomic context (GRCh38, chr1:15,719,822, plus strand): 5'-ACATGCCCGACTACTACAAACCTCAGTACCTGCTGGACTTTGAAGACCGCCTTCCCAGCT[C>T]GGTCCACGGCTCAGACAGTCTGTCCCTCAACTCTTTCAACTCCGTCACCTCCACCAACCT-3'
Protein context (NP_055979.2, residues 175-195): LLDFEDRLPS[Ser185Leu]VHGSDSLSLN

ClinVar aggregate classification (germline): Uncertain significance. Review status: criteria provided, multiple submitters, no conflicts (2 of 4 stars). 3 submissions from 3 submitters: Uncertain significance (3). Last evaluated 2025-11-10.

Allele frequency attached by ClinVar (database versions not stated): ExAC 0.00001; gnomAD exomes 0.00003.
gnomAD v4.1: 43 of 1,613,766 alleles (0.0027%); highest among the groups gnomAD compares: South Asian, 0.0044%; no homozygotes.

Submissions (3):

Labcorp Genetics (formerly Invitae), Labcorp
Classification: Uncertain significance. Last evaluated: 2025-11-10. Review status: criteria provided, single submitter. Criteria: Invitae Variant Classification Sherloc (09022015). Collection method: clinical testing. Allele origin: germline.
Comment: This sequence change replaces serine, which is neutral and polar, with leucine, which is neutral and non-polar, at codon 185 of the PLEKHM2 protein (p.Ser185Leu). This variant is present in population databases (rs748388504, gnomAD 0.004%). This variant has not been reported in the literature in individuals affected with PLEKHM2-related conditions. ClinVar contains an entry for this variant (Variation ID: 1022951). An algorithm developed to predict the effect of missense changes on protein structure and function (PolyPhen-2) suggests that this variant is likely to be disruptive. In summary, the available evidence is currently insufficient to determine the role of this variant in disease. Therefore, it has been classified as a Variant of Uncertain Significance.

Ambry Genetics
Classification: Uncertain significance. Last evaluated: 2025-10-17. Review status: criteria provided, single submitter. Criteria: Ambry Variant Classification Scheme 2023. Collection method: clinical testing. Allele origin: germline.

Clinical Genetics Laboratory, Skane University Hospital Lund
Classification: Uncertain significance. Last evaluated: 2022-05-27. Review status: criteria provided, single submitter. Criteria: ACMG Guidelines, 2015. Collection method: clinical testing. Allele origin: germline. Affected: yes.